The following is an entry in ClinVar:

ClinVar aggregate classification (germline): Likely benign (0 of 4 stars; one submission).

Conditions:
SH2B1-related disorder. Also called: SH2B1-related condition.

Allele frequency attached by ClinVar (database versions not stated): gnomAD exomes 0.00002; gnomAD 0.00003; TOPMed 0.00003.
gnomAD v4.1: 37 of 1,546,556 alleles (0.0024%); highest among the groups gnomAD compares: Middle Eastern, 0.033%; no homozygotes.

Submission:

PreventionGenetics, part of Exact Sciences
Classification: Likely benign for SH2B1-related condition. Last evaluated: 2019-09-04. Review status: no assertion criteria provided. Collection method: clinical testing. Allele origin: germline.
Comment: This variant is classified as likely benign based on ACMG/AMP sequence variant interpretation guidelines (Richards et al. 2015 PMID: 25741868, with internal and published modifications).

NM_001387430.1(SH2B1):c.2067G>A (p.Pro689=)

Gene: SH2B1 (SH2B adaptor protein 1; plus strand). Cytogenetic location: 16p11.2.
Variant type: single nucleotide variant.
Coding change: c.2067G>A on transcript NM_001387430.1 (MANE Select); coding-DNA position 2067, G replaced by A.
Protein change: p.Pro689=; no amino-acid change (proline 689 retained).
Molecular consequence: synonymous variant. On other transcripts: 3 prime UTR variant (5).
Genome position (GRCh38, 1-based): chr16:28,873,616, G>A. VCF-style: chr16-28873616-G-A. GRCh37 (hg19) VCF-style: chr16-28884937-G-A.
Other names: c.2067G>A, p.Pro689= (NM_001145795.2, NM_001308293.2, NM_001387404.1); c.*151G>A (NM_001145796.2, NM_001145812.2, NM_001308294.2 and 1 more transcripts); c.*168G>A (NM_001145797.2).
Identifiers: ClinVar variation 3034625 (VCV003034625.2), dbSNP rs959790667, ClinGen allele CA279223625.
Genomic context (GRCh38, chr16:28,873,616, plus strand): 5'-AGCAGCCGCAGCAGCCAAAGAGAGGCAAGAGAAAGAGAAAGCGGGCGGTGGAGGGGTCCC[G>A]GAAGAGCTGGTCCCCGTGGTTGAGCTGGTCCCCGTGGTTGAATTGGAAGAGGCCATAGCC-3'
Protein context (NP_001374359.1, residues 679-699): EKEKAGGGGV[Pro689=]EELVPVVELV